The following is an entry in ClinVar:

ClinVar aggregate classification (germline): Uncertain significance (1 of 4 stars; one submission).

Conditions:
Familial cancer of breast. Also called: hereditary breast carcinoma; BREAST CANCER, FAMILIAL; Hereditary breast cancer. Identifiers: Orphanet 227535, MedGen C0346153, MONDO:0016419, OMIM 114480. Disease mechanism: loss of function.
Fanconi anemia complementation group J. Also called: BRIP1-Related Fanconi Anemia. Identifiers: Orphanet 84, MedGen C1836860, MONDO:0012187, OMIM 609054.

Submission:

Labcorp Genetics (formerly Invitae), Labcorp
Classification: Uncertain significance for Familial cancer of breast; Fanconi anemia complementation group J. Last evaluated: 2019-03-28. Review status: criteria provided, single submitter. Criteria: Invitae Variant Classification Sherloc (09022015). Collection method: clinical testing. Allele origin: germline.
Comment: In summary, the available evidence is currently insufficient to determine the role of this variant in disease. Therefore, it has been classified as a Variant of Uncertain Significance. Algorithms developed to predict the effect of missense changes on protein structure and function output the following: SIFT: "Tolerated"; PolyPhen-2: "Benign"; Align-GVGD: "Class C0". The lysine amino acid residue is found in multiple mammalian species, suggesting that this missense change does not adversely affect protein function. These predictions have not been confirmed by published functional studies and their clinical significance is uncertain. This sequence change replaces arginine with lysine at codon 965 of the BRIP1 protein (p.Arg965Lys). The arginine residue is weakly conserved and there is a small physicochemical difference between arginine and lysine. This variant is not present in population databases (ExAC no frequency). This variant has not been reported in the literature in individuals with BRIP1-related conditions.

NM_032043.3(BRIP1):c.2894G>A (p.Arg965Lys)

Gene: BRIP1 (BRCA1 interacting DNA helicase 1; minus strand). Cytogenetic location: 17q23.2.
Variant type: single nucleotide variant.
Coding change: c.2894G>A on transcript NM_032043.3 (MANE Select); coding-DNA position 2894, G replaced by A.
Protein change: p.Arg965Lys; replaces arginine 965 with lysine.
Molecular consequence: missense variant.
Genome position (GRCh38, 1-based): chr17:61,685,847, C>T on the plus strand (G>A on the coding strand, the complement: BRIP1 is on the minus strand). VCF-style: chr17-61685847-C-T. GRCh37 (hg19) VCF-style: chr17-59763208-C-T.
Other names: short protein forms R965K.
Identifiers: ClinVar variation 849698 (VCV000849698.10), dbSNP rs2061351932, ClinGen allele CA400481147.